The following is an entry in ClinVar:

NM_001267550.2(TTN):c.5644C>T (p.Arg1882Cys)

Gene: TTN (titin; minus strand). Cytogenetic location: 2q31.2.
Variant type: single nucleotide variant.
Coding change: c.5644C>T on transcript NM_001267550.2 (MANE Select); coding-DNA position 5644, C replaced by T.
Protein change: p.Arg1882Cys; replaces arginine 1882 with cysteine.
Molecular consequence: missense variant.
Genome position (GRCh38, 1-based): chr2:178,776,220, G>A on the plus strand (C>T on the coding strand, the complement: TTN is on the minus strand). VCF-style: chr2-178776220-G-A. GRCh37 (hg19) VCF-style: chr2-179640947-G-A.
Other names: c.5644C>T, p.Arg1882Cys (NM_133378.4, NM_001256850.1, NM_133379.5); c.5506C>T, p.Arg1836Cys (NM_003319.4, NM_133432.3, NM_133437.4); short protein forms R1882C, R1836C.
Identifiers: ClinVar variation 47207 (VCV000047207.19), dbSNP rs397517658, ClinGen allele CA140330.
Genomic context (GRCh38, chr2:178,776,220, plus strand): 5'-AGTCCACGATGTCCAGGTAATGGATACCATCATAGCGAACTCTGAACCTTTTGCTTTTGC[G>A]GATGAGCTGTCCATTGAGGTACCAGTTGACTTTGGGCTGAGGGTAGCCTGTTACCCTGCA-3'
Protein context (NP_001254479.2, residues 1872-1892): VNWYLNGQLI[Arg1882Cys]KSKRFRVRYD

ClinVar aggregate classification (germline): Uncertain significance. Review status: criteria provided, multiple submitters, no conflicts (2 of 4 stars). 11 submissions from 7 submitters: Uncertain significance (11). Last evaluated 2026-09-10.

Conditions:
TTN-related disorder. Also called: TTN-related condition; TTN-related disease; TTN-related disorders.
Myopathy, myofibrillar, 9, with early respiratory failure (MFM9). Also called: Hereditary myopathy with early respiratory failure; EDSTROM MYOPATHY; MYOPATHY, PROXIMAL, WITH EARLY RESPIRATORY MUSCLE INVOLVEMENT; Myopathy, distal, with early respiratory failure, autosomal dominant. Identifiers: Orphanet 178464, Orphanet 34521, MedGen C1863599, MONDO:0011362, OMIM 603689.
Autosomal recessive limb-girdle muscular dystrophy type 2J (LGMDR10). Also called: Limb-girdle muscular dystrophy, type 2J; MUSCULAR DYSTROPHY, LIMB-GIRDLE, AUTOSOMAL RECESSIVE 10. Identifiers: Orphanet 140922, MedGen C1837342, MONDO:0012127, OMIM 608807.
Early-onset myopathy with fatal cardiomyopathy (CMYO5). Also called: Salih Myopathy; CONGENITAL MYOPATHY 5 WITH CARDIOMYOPATHY. Identifiers: Orphanet 289377, MedGen C2673677, MONDO:0012714, OMIM 611705. Disease mechanism: loss of function.
Hypertrophic cardiomyopathy 9. Also called: Familial hypertrophic cardiomyopathy 9. Identifiers: MedGen C1861065, MONDO:0013412, OMIM 613765.
Dilated cardiomyopathy 1G (CMD1G). Identifiers: Orphanet 154, MedGen C1858763, MONDO:0011400, OMIM 604145.
Tibial muscular dystrophy (TMD). Also called: Tibial muscular dystrophy, tardive; UDD MYOPATHY; Udd Distal Myopathy – Tibial Muscular Dystrophy. Identifiers: Orphanet 609, MedGen C1838244, MONDO:0010870, OMIM 600334.

Allele frequency attached by ClinVar (database versions not stated): ExAC 0.00002; gnomAD exomes 0.00002; TOPMed 0.00002; gnomAD 0.00003.
gnomAD v4.1: 44 of 1,614,000 alleles (0.0027%); highest among the groups gnomAD compares: Middle Eastern, 0.049%; 1 homozygote.

Submissions (11):

PreventionGenetics, part of Exact Sciences
Classification: Uncertain significance for TTN-related condition. Last evaluated: 2026-09-10. Review status: criteria provided, single submitter. Criteria: ACMG Guidelines, 2015. Collection method: clinical testing. Allele origin: germline.
Comment: The TTN c.5644C>T variant is predicted to result in the amino acid substitution p.Arg1882Cys. To our knowledge, this variant has not been reported in the literature. This variant is reported in 0.0039% of alleles in individuals of European (Non-Finnish) descent in gnomAD. At this time, the clinical significance of this variant is uncertain due to the absence of conclusive functional and genetic evidence.

Women's Health and Genetics/Laboratory Corporation of America, LabCorp
Classification: Uncertain significance. Last evaluated: 2024-02-19. Review status: criteria provided, single submitter. Criteria: LabCorp Variant Classification Summary - May 2015. Collection method: clinical testing. Allele origin: germline.
Comment: Variant summary: TTN c.5644C>T (p.Arg1882Cys) results in a non-conservative amino acid change located in the near Z-disk / I-band region of the encoded protein sequence. Five of five in-silico tools predict a damaging effect of the variant on protein function. The variant allele was found at a frequency of 2e-05 in 251064 control chromosomes. The available data on variant occurrences in the general population are insufficient to allow any conclusion about variant significance. To our knowledge, no occurrence of c.5644C>T in individuals affected with Limb-Girdle Muscular Dystrophy, Type 2J and no experimental evidence demonstrating its impact on protein function have been reported. ClinVar contains an entry for this variant (Variation ID: 47207). Based on the evidence outlined above, the variant was classified as uncertain significance.

Fulgent Genetics
Classification: Uncertain significance for Tibial muscular dystrophy; Myopathy, myofibrillar, 9, with early respiratory failure; Dilated cardiomyopathy 1G; Autosomal recessive limb-girdle muscular dystrophy type 2J; Early-onset myopathy with fatal cardiomyopathy; Hypertrophic cardiomyopathy 9. Last evaluated: 2021-11-20. Review status: criteria provided, single submitter. Criteria: ACMG Guidelines, 2015. Collection method: clinical testing. Allele origin: unknown.

Revvity Omics, Revvity
Classification: Uncertain significance. Last evaluated: 2019-04-29. Review status: criteria provided, single submitter. Criteria: ACMG Guidelines, 2015. Collection method: clinical testing. Allele origin: germline.

Illumina Laboratory Services, Illumina
Classification: Uncertain significance for Early-onset myopathy with fatal cardiomyopathy. Last evaluated: 2018-01-12. Review status: criteria provided, single submitter. Criteria: ICSL Variant Classification Criteria 13 December 2019. Collection method: clinical testing. Allele origin: germline.

Illumina Laboratory Services, Illumina
Classification: Uncertain significance for Myopathy, myofibrillar, 9, with early respiratory failure. Last evaluated: 2018-01-12. Review status: criteria provided, single submitter. Criteria: ICSL Variant Classification Criteria 13 December 2019. Collection method: clinical testing. Allele origin: germline.

Illumina Laboratory Services, Illumina
Classification: Uncertain significance for Dilated cardiomyopathy 1G. Last evaluated: 2018-01-12. Review status: criteria provided, single submitter. Criteria: ICSL Variant Classification Criteria 13 December 2019. Collection method: clinical testing. Allele origin: germline.

Illumina Laboratory Services, Illumina
Classification: Uncertain significance for Autosomal recessive limb-girdle muscular dystrophy type 2J. Last evaluated: 2018-01-12. Review status: criteria provided, single submitter. Criteria: ICSL Variant Classification Criteria 13 December 2019. Collection method: clinical testing. Allele origin: germline.

Illumina Laboratory Services, Illumina
Classification: Uncertain significance for Tibial muscular dystrophy. Last evaluated: 2018-01-12. Review status: criteria provided, single submitter. Criteria: ICSL Variant Classification Criteria 13 December 2019. Collection method: clinical testing. Allele origin: germline.

Eurofins Ntd Llc (ga)
Classification: Uncertain significance. Last evaluated: 2016-09-29. Review status: criteria provided, single submitter. Criteria: EGL Classification Definitions 2015. Collection method: clinical testing. Allele origin: germline. Observed: 1 variant allele, 1 heterozygote.

Laboratory for Molecular Medicine, Mass General Brigham Personalized Medicine
Classification: Uncertain significance. Last evaluated: 2013-02-11. Review status: criteria provided, single submitter. Criteria: LMM Criteria. Collection method: clinical testing. Allele origin: germline. Observed: 1 variant allele.
Comment: The Arg1882Cys variant in TTN has not been reported in the literature nor previo usly identified by our laboratory. This variant has not been identified in large and broad European American and African American populations by the NHLBI Exome Sequencing Project. Computational analyses (biochemical amino acid properties, conservation, PolyPhen2, and SIFT) suggest t hat the Arg1882Cys variant may impact the protein, though this information is no t predictive enough to determine pathogenicity. In summary, additional informati on is needed to fully assess the clinical significance of the Arg1882Cys variant .